The following is an entry in ClinVar:

ClinVar aggregate classification (germline): Uncertain significance (1 of 4 stars; one submission).

Submission:

Women's Health and Genetics/Laboratory Corporation of America, LabCorp
Classification: Uncertain significance. Last evaluated: 2024-11-14. Review status: criteria provided, single submitter. Criteria: LabCorp Variant Classification Summary - May 2015. Collection method: clinical testing. Allele origin: germline.
Comment: Variant summary: TPR c.6227G>A (p.Arg2076His) results in a non-conservative amino acid change in the encoded protein sequence. Four of five in-silico tools predict a damaging effect of the variant on protein function. The frequency data for this variant in gnomAD is considered unreliable, as metrics indicate poor data quality at this position. To our knowledge, no occurrence of c.6227G>A in individuals affected with Intellectual Developmental Disorder, Autosomal Recessive 79 and no experimental evidence demonstrating its impact on protein function have been reported. No submitters have cited clinical-significance assessments for this variant to ClinVar. Based on the evidence outlined above, the variant was classified as uncertain significance.

NM_003292.3(TPR):c.6227G>A (p.Arg2076His)

Gene: TPR (translocated promoter region, nuclear basket protein; minus strand). Cytogenetic location: 1q31.1.
Variant type: single nucleotide variant.
Coding change: c.6227G>A on transcript NM_003292.3 (MANE Select); coding-DNA position 6227, G replaced by A.
Protein change: p.Arg2076His; replaces arginine 2076 with histidine.
Molecular consequence: missense variant.
Genome position (GRCh38, 1-based): chr1:186,323,756, C>T on the plus strand (G>A on the coding strand, the complement: TPR is on the minus strand). VCF-style: chr1-186323756-C-T. GRCh37 (hg19) VCF-style: chr1-186292888-C-T.
Other names: short protein forms R2076H.
Identifiers: ClinVar variation 3629627 (VCV003629627.1).